The following is an entry in ClinVar:

ClinVar aggregate classification (germline): Uncertain significance (1 of 4 stars; one submission).

Conditions:
Candidiasis, familial, 9 (CANDF9). Identifiers: Orphanet 1334, MedGen C4225324, MONDO:0014642, OMIM 616445.

gnomAD v4.1: 5 of 1,607,430 alleles (0.00031%); highest among the groups gnomAD compares: Non-Finnish European, 0.00025%; no homozygotes.

Submission:

Labcorp Genetics (formerly Invitae), Labcorp
Classification: Uncertain significance for Candidiasis, familial, 9. Last evaluated: 2025-02-24. Review status: criteria provided, single submitter. Criteria: Invitae Variant Classification Sherloc (09022015). Collection method: clinical testing. Allele origin: germline.
Comment: This sequence change replaces proline, which is neutral and non-polar, with leucine, which is neutral and non-polar, at codon 770 of the IL17RC protein (p.Pro770Leu). This variant is not present in population databases (gnomAD no frequency). This variant has not been reported in the literature in individuals affected with IL17RC-related conditions. ClinVar contains an entry for this variant (Variation ID: 1416863). An algorithm developed to predict the effect of missense changes on protein structure and function outputs the following: PolyPhen-2: "Not Available". The leucine amino acid residue is found in multiple mammalian species, which suggests that this missense change does not adversely affect protein function. In summary, the available evidence is currently insufficient to determine the role of this variant in disease. Therefore, it has been classified as a Variant of Uncertain Significance.

NM_153460.4(IL17RC):c.2096C>T (p.Pro699Leu)

Genes: IL17RC (interleukin 17 receptor C; plus strand), LOC129936144 (ATAC-STARR-seq lymphoblastoid silent region 14051; plus strand). Cytogenetic location: 3p25.3.
Variant type: single nucleotide variant.
Coding change: c.2096C>T on transcript NM_153460.4 (MANE Select); coding-DNA position 2096, C replaced by T.
Protein change: p.Pro699Leu; replaces proline 699 with leucine.
Molecular consequence: missense variant. On other transcripts: non-coding transcript variant (1).
Genome position (GRCh38, 1-based): chr3:9,933,526, C>T. VCF-style: chr3-9933526-C-T. GRCh37 (hg19) VCF-style: chr3-9975210-C-T.
Other names: c.2057C>T, p.Pro686Leu (NM_001203263.2); c.2006C>T, p.Pro669Leu (NM_001203264.2); c.2000C>T, p.Pro667Leu (NM_001203265.2); c.2018C>T, p.Pro673Leu (NM_001367278.1); c.1937C>T, p.Pro646Leu (NM_001367279.1); c.2012C>T, p.Pro671Leu (NM_001367280.1); c.2051C>T, p.Pro684Leu (NM_032732.6); c.2309C>T, p.Pro770Leu (NM_153461.4); short protein forms P646L, P671L, P667L, P669L, P673L, P684L, P686L, P699L.
Identifiers: ClinVar variation 1416863 (VCV001416863.8), dbSNP rs1276617323, ClinGen allele CA351709684.